The following is an entry in ClinVar:

NM_003079.5(SMARCE1):c.947G>A (p.Ser316Asn)

Gene: SMARCE1 (SWI/SNF related BAF chromatin remodeling complex subunit E1; minus strand). Cytogenetic location: 17q21.2.
Variant type: single nucleotide variant.
Coding change: c.947G>A on transcript NM_003079.5 (MANE Select); coding-DNA position 947, G replaced by A.
Protein change: p.Ser316Asn; replaces serine 316 with asparagine.
Molecular consequence: missense variant.
Genome position (GRCh38, 1-based): chr17:40,630,794, C>T on the plus strand (G>A on the coding strand, the complement: SMARCE1 is on the minus strand). VCF-style: chr17-40630794-C-T. GRCh37 (hg19) VCF-style: chr17-38787046-C-T.
Other names: short protein forms S316N.
Identifiers: ClinVar variation 580206 (VCV000580206.13), dbSNP rs1307734637, ClinGen allele CA399363500.

ClinVar aggregate classification (germline): Conflicting classifications of pathogenicity. Review status: criteria provided, conflicting classifications (1 of 4 stars). 3 submissions from 3 submitters: Uncertain significance (2); Likely benign (1). Last evaluated 2024-08-28.

Conditions:
Hereditary cancer-predisposing syndrome. Also called: Neoplastic Syndromes, Hereditary; Tumor predisposition; Hereditary neoplastic syndrome; Hereditary Cancer Syndrome. Identifiers: Orphanet 140162, MedGen C0027672, MeSH D009386, MONDO:0015356.
Familial meningioma. Also called: Meningioma, familial, susceptibility to. Identifiers: Orphanet 263662, MedGen C3551915, MONDO:0011789, OMIM 607174.

Allele frequency attached by ClinVar (database versions not stated): gnomAD 0.00001; TOPMed 0.00002.

Submissions (3):

Labcorp Genetics (formerly Invitae), Labcorp
Classification: Uncertain significance for Familial meningioma. Last evaluated: 2024-08-28. Review status: criteria provided, single submitter. Criteria: Invitae Variant Classification Sherloc (09022015). Collection method: clinical testing. Allele origin: germline.
Comment: This sequence change replaces serine, which is neutral and polar, with asparagine, which is neutral and polar, at codon 316 of the SMARCE1 protein (p.Ser316Asn). This variant is not present in population databases (gnomAD no frequency). This variant has not been reported in the literature in individuals affected with SMARCE1-related conditions. ClinVar contains an entry for this variant (Variation ID: 580206). Invitae Evidence Modeling of protein sequence and biophysical properties (such as structural, functional, and spatial information, amino acid conservation, physicochemical variation, residue mobility, and thermodynamic stability) indicates that this missense variant is not expected to disrupt SMARCE1 protein function with a negative predictive value of 80%. In summary, the available evidence is currently insufficient to determine the role of this variant in disease. Therefore, it has been classified as a Variant of Uncertain Significance.

Ambry Genetics
Classification: Likely benign for Hereditary cancer-predisposing syndrome. Last evaluated: 2024-05-06. Review status: criteria provided, single submitter. Criteria: Ambry Variant Classification Scheme 2023. Collection method: clinical testing. Allele origin: germline.

Baylor Genetics
Classification: Uncertain significance for Familial meningioma. Last evaluated: 2024-01-03. Review status: criteria provided, single submitter. Criteria: ACMG Guidelines, 2015. Collection method: clinical testing. Allele origin: unknown.